The following is an entry in ClinVar:

ClinVar aggregate classification (germline): Uncertain significance (1 of 4 stars; one submission).

Conditions:
Early Myoclonic Encephalopathy. Identifiers: MedGen C0270855.

Submission:

Labcorp Genetics (formerly Invitae), Labcorp
Classification: Uncertain significance for Early Myoclonic Encephalopathy. Last evaluated: 2022-07-19. Review status: criteria provided, single submitter. Criteria: Invitae Variant Classification Sherloc (09022015). Collection method: clinical testing. Allele origin: germline.
Comment: This variant results in a copy number gain of the genomic region encompassing exon(s) 2-5 of the KCND2 gene. While the exact position of this variant cannot be determined from the data, sub-genic copy number gains are generally in tandem (PMID: 25640679). This variant is predicted to be in-frame, and likely preserves the integrity of the reading frame. This variant has not been reported in the literature in individuals affected with KCND2-related conditions. Experimental studies and prediction algorithms are not available or were not evaluated, and the functional significance of this variant is currently unknown. In summary, the available evidence is currently insufficient to determine the role of this variant in disease. Therefore, it has been classified as a Variant of Uncertain Significance.

Literature cited by the submitters: PubMed 25640679.

NC_000007.13:g.(?_120372937)_(120386101_?)dup

Gene: KCND2 (potassium voltage-gated channel subfamily D member 2; plus strand). Cytogenetic location: 7q31.31.
Variant type: Duplication.
Identifiers: ClinVar variation 2425790 (VCV002425790.4).